The following is an entry in ClinVar:

NM_001173990.3(TMEM216):c.228dup (p.Gly77fs)

Gene: TMEM216 (transmembrane protein 216; plus strand). Cytogenetic location: 11q12.2.
Variant type: Duplication.
Coding change: c.228dup on transcript NM_001173990.3 (MANE Select); coding-DNA position 228, one base duplicated (T; older notation c.228dupT).
Protein change: p.Gly77fs; shifts the reading frame from glycine 77.
Molecular consequence: frameshift variant.
Genome position (GRCh38, 1-based): chr11:61,393,975, T duplicated; the last of 6 consecutive T bases (chr11:61,393,970-61,393,975); duplicating any one gives the same sequence. VCF-style (leftmost placement, unchanged base first): chr11-61393969-G-GT. GRCh37 (hg19) VCF-style: chr11-61161441-G-GT.
Other names: c.228dup, p.Gly77fs (NM_001173991.3); c.45dup, p.Gly16fs (NM_001330285.2, NM_016499.6); short protein forms G16fs, G77fs.
Identifiers: ClinVar variation 371710 (VCV000371710.8), dbSNP rs767384710, ClinGen allele CA6034724.

ClinVar aggregate classification (germline): Pathogenic. Review status: criteria provided, single submitter (1 of 4 stars). 3 submissions from 2 submitters: Pathogenic (1). 2 of the submissions do not count toward it. Last evaluated 2023-11-27.

Conditions:
Joubert syndrome 2 (JBTS2). Also called: CEREBELLOOCULORENAL SYNDROME 2. Identifiers: Orphanet 2318, MedGen C1842577, MONDO:0011963, OMIM 608091.
Meckel syndrome, type 2 (MKS2). Also called: MKS2-Related Meckel Syndrome; MECKEL-GRUBER SYNDROME, TYPE 2. Identifiers: Orphanet 564, MedGen C1864148, MONDO:0011296, OMIM 603194.
Joubert syndrome. Also called: JOUBERT-BOLTSHAUSER SYNDROME; Familial aplasia of the vermis; CEREBELLOPARENCHYMAL DISORDER IV. Identifiers: Orphanet 475, MedGen C5979921, MONDO:0018772.

Submissions (3):

Labcorp Genetics (formerly Invitae), Labcorp
Classification: Pathogenic for Joubert syndrome. Last evaluated: 2023-11-27. Review status: criteria provided, single submitter. Criteria: Invitae Variant Classification Sherloc (09022015). Collection method: clinical testing. Allele origin: germline.
Comment: This sequence change creates a premature translational stop signal (p.Gly77Trpfs*16) in the TMEM216 gene. It is expected to result in an absent or disrupted protein product. Loss-of-function variants in TMEM216 are known to be pathogenic (PMID: 20512146). This variant is present in population databases (rs767384710, gnomAD 0.0009%). This variant has not been reported in the literature in individuals affected with TMEM216-related conditions. ClinVar contains an entry for this variant (Variation ID: 371710). For these reasons, this variant has been classified as Pathogenic.

Counsyl
Classification: Likely pathogenic for Meckel syndrome, type 2. Last evaluated: 2016-02-22. Review status: no assertion criteria provided. Collection method: clinical testing. Allele origin: unknown. Not counted in ClinVar's aggregate classification.

Counsyl
Classification: Likely pathogenic for Joubert syndrome 2. Last evaluated: 2016-02-22. Review status: no assertion criteria provided. Collection method: clinical testing. Allele origin: unknown. Not counted in ClinVar's aggregate classification.

Literature cited by the submitters: PubMed 20512146 (cited by Labcorp Genetics (formerly Invitae), Labcorp).